The following is an entry in ClinVar:

NM_004958.4(MTOR):c.3263C>T (p.Pro1088Leu)

Gene: MTOR (mechanistic target of rapamycin kinase; minus strand). Cytogenetic location: 1p36.22.
Variant type: single nucleotide variant.
Coding change: c.3263C>T on transcript NM_004958.4 (MANE Select); coding-DNA position 3263, C replaced by T.
Protein change: p.Pro1088Leu; replaces proline 1088 with leucine.
Molecular consequence: missense variant.
Genome position (GRCh38, 1-based): chr1:11,213,421, G>A on the plus strand (C>T on the coding strand, the complement: MTOR is on the minus strand). VCF-style: chr1-11213421-G-A. GRCh37 (hg19) VCF-style: chr1-11273478-G-A.
Other names: c.3263C>T, p.Pro1088Leu (NM_001386500.1); c.2015C>T, p.Pro672Leu (NM_001386501.1); short protein forms P1088L, P672L.
Identifiers: ClinVar variation 2809029 (VCV002809029.3), dbSNP rs2523119025, ClinGen allele CA338374619.

ClinVar aggregate classification (germline): Uncertain significance (1 of 4 stars; one submission).

Submission:

Labcorp Genetics (formerly Invitae), Labcorp
Classification: Uncertain significance. Last evaluated: 2022-10-20. Review status: criteria provided, single submitter. Criteria: Invitae Variant Classification Sherloc (09022015). Collection method: clinical testing. Allele origin: germline.
Comment: In summary, the available evidence is currently insufficient to determine the role of this variant in disease. Therefore, it has been classified as a Variant of Uncertain Significance. Advanced modeling of protein sequence and biophysical properties (such as structural, functional, and spatial information, amino acid conservation, physicochemical variation, residue mobility, and thermodynamic stability) performed at Invitae indicates that this missense variant is not expected to disrupt MTOR protein function. This variant has not been reported in the literature in individuals affected with MTOR-related conditions. This variant is not present in population databases (gnomAD no frequency). This sequence change replaces proline, which is neutral and non-polar, with leucine, which is neutral and non-polar, at codon 1088 of the MTOR protein (p.Pro1088Leu).